The following is an entry in ClinVar:

NM_001130438.3(SPTAN1):c.5383G>C (p.Glu1795Gln)

Gene: SPTAN1 (spectrin alpha, non-erythrocytic 1; plus strand). Cytogenetic location: 9q34.11.
Variant type: single nucleotide variant.
Coding change: c.5383G>C on transcript NM_001130438.3 (MANE Select); coding-DNA position 5383, G replaced by C.
Protein change: p.Glu1795Gln; replaces glutamic acid 1795 with glutamine.
Molecular consequence: missense variant.
Genome position (GRCh38, 1-based): chr9:128,617,665, G>C. VCF-style: chr9-128617665-G-C. GRCh37 (hg19) VCF-style: chr9-131379944-G-C.
Other names: c.5308G>C, p.Glu1770Gln (NM_001195532.2); c.5383G>C, p.Glu1795Gln (NM_001363759.2, NM_001375310.1, NM_001375311.2 and 1 more transcripts); c.5323G>C, p.Glu1775Gln (NM_001363765.2, NM_001375314.2); c.5419G>C, p.Glu1807Gln (NM_001375312.2, NM_001375318.1); c.5368G>C, p.Glu1790Gln (NM_003127.4); short protein forms E1770Q, E1775Q, E1790Q, E1795Q, E1807Q.
Identifiers: ClinVar variation 3360041 (VCV003360041.1).
Genomic context (GRCh38, chr9:128,617,665, plus strand): 5'-GAGACTGACTGTGCTGTTTCCCATCTCTCATTCAGGGAGAAGAAGCTGCTGGTGGGCTCA[G>C]AGGACTACGGCCGGGACCTAACCGGCGTGCAGAACCTGAGGAAGAAGCACAAGCGGCTGG-3'
Protein context (NP_001123910.1, residues 1785-1805): IKEKKLLVGS[Glu1795Gln]DYGRDLTGVQ

ClinVar aggregate classification (germline): Uncertain significance (1 of 4 stars; one submission).

Submission:

GeneDx
Classification: Uncertain significance. Last evaluated: 2023-06-18. Review status: criteria provided, single submitter. Criteria: GeneDx Variant Classification Process June 2021. Collection method: clinical testing. Allele origin: germline. Affected: yes.
Comment: Not observed at significant frequency in large population cohorts (gnomAD); In silico analysis supports that this missense variant does not alter protein structure/function; Has not been previously published as pathogenic or benign to our knowledge